The following continues an entry in ClinVar:

NM_000059.4(BRCA2):c.3751dup (p.Thr1251fs)

Gene: BRCA2. ClinVar aggregate classification (germline): Pathogenic. Pathogenic (1).

Submissions 17 to 28 of 28:

Women's Health and Genetics/Laboratory Corporation of America, LabCorp
Classification: Pathogenic for Hereditary breast ovarian cancer syndrome. Last evaluated: 2022-12-19. Review status: criteria provided, single submitter. Criteria: LabCorp Variant Classification Summary - May 2015. Collection method: clinical testing. Allele origin: germline. Not counted in ClinVar's aggregate classification.
Comment: Variant summary: BRCA2 c.3751dupA (p.Thr1251AsnfsX14) results in a premature termination codon, predicted to cause a truncation of the encoded protein or absence of the protein due to nonsense mediated decay, which are commonly known mechanisms for disease. Truncations downstream of this position have been classified as pathogenic by our laboratory. The variant allele was found at a frequency of 4.1e-06 in 245816 control chromosomes (gnomAD). The variant, c.3751dupA, has been reported in the literature in individuals affected with Hereditary Breast and Ovarian Cancer (examples: Heramb_2018, Yassaee_2002, Yazici_2002). These data indicate that the variant is very likely to be associated with disease. To our knowledge, no experimental evidence demonstrating an impact on protein function has been reported. Twelve ClinVar submissions from clinical diagnostic laboratories (evaluation after 2014) cite the variant as pathogenic. Based on the evidence outlined above, the variant was classified as pathogenic.

GeneDx
Classification: Pathogenic. Last evaluated: 2022-11-22. Review status: criteria provided, single submitter. Criteria: GeneDx Variant Classification Process June 2021. Collection method: clinical testing. Allele origin: germline. Affected: yes. Not counted in ClinVar's aggregate classification.
Comment: Frameshift variant predicted to result in protein truncation or nonsense mediated decay in a gene for which loss-of-function is a known mechanism of disease; Truncating variants in this gene are considered pathogenic by a well-established clinical consortium and/or database; Not observed at significant frequency in large population cohorts (gnomAD); Also known as 3979dupA and 3976insA; This variant is associated with the following publications: (PMID: 12100744, 34637943, 29922827, 33754277, 12112655, 17826769, 25418591, 26187060, 12442265, 27165220, 29339979, 30720243, 30014164, 30489631, 21156238, 29446198, 32658311, 34426522, 31851867, 35418818, 33629534, 35216584, Gezdirici_2021)

Laboratory for Molecular Medicine, Mass General Brigham Personalized Medicine
Classification: Pathogenic for Hereditary breast ovarian cancer syndrome. Last evaluated: 2022-11-03. Review status: criteria provided, single submitter. Criteria: ACMG Guidelines, 2015. Collection method: clinical testing. Allele origin: germline. Not counted in ClinVar's aggregate classification.
Comment: The p.Thr1251AsnfsX14 variant in BRCA2 has been reported in at least 3 individuals affected with breast cancer and segregated with disease in 1 affected family member (Yassaee 2002 PMID: 12100744, Yazici 2002 PMID: 12112655, Kwong 2015 PMID: 26187060, Heramb 2018 PMID: 29339979). This variant was classified as Pathogenic on September 8, 2016 by the ClinGen-approved Evidence-based Network for the Interpretation of Germline Mutant Alleles (ENIGMA) (Variation ID 51516) and was absent from large population studies. This variant is predicted to cause a frameshift, which alters the protein’s amino acid sequence beginning at position 1251 and leads to a premature termination codon 14 amino acids downstream. This alteration is then predicted to lead to a truncated or absent protein. Loss of function of the BRCA2 gene is an established disease mechanism in autosomal dominant hereditary breast and ovarian cancer (HBOC) syndrome. In summary, this variant meets criteria to be classified as pathogenic for autosomal dominant HBOC. ACMG/AMP Criteria applied: PM2_Supporting, PVS1, PS4_Supporting.

Clinical Genetics Laboratory, Skane University Hospital Lund
Classification: Pathogenic. Last evaluated: 2022-05-27. Review status: criteria provided, single submitter. Criteria: ACMG Guidelines, 2015. Collection method: clinical testing. Allele origin: germline. Affected: yes. Not counted in ClinVar's aggregate classification.

MGZ Medical Genetics Center
Classification: Pathogenic for Breast-ovarian cancer, familial, susceptibility to, 2. Last evaluated: 2022-03-14. Review status: criteria provided, single submitter. Criteria: ACMG Guidelines, 2015. Collection method: clinical testing. Allele origin: germline. Affected: yes. Observed: 1 variant allele. Not counted in ClinVar's aggregate classification.
Comment: ACMG criteria applied: PVS1, PS4_MOD, PM2_SUP

Color Diagnostics, LLC DBA Color Health
Classification: Pathogenic for Hereditary cancer-predisposing syndrome. Last evaluated: 2021-09-16. Review status: criteria provided, single submitter. Criteria: ACMG Guidelines, 2015. Collection method: clinical testing. Allele origin: germline. Not counted in ClinVar's aggregate classification.
Comment: This variant inserts 1 nucleotide in exon 11 of the BRCA2 gene, creating a frameshift and premature translation stop signal. This variant is also known as 3976insA or 3979insA in the nomenclature. This variant is expected to result in an absent or non-functional protein product. To our knowledge, functional studies have not been reported for this variant. This variant has been reported in at least two individuals affected with breast or ovarian cancer (PMID: 12100744, 12112655, 33471991; Leiden Open Variation Database DB-ID BRCA2_001195) and a suspected hereditary breast and ovarian cancer family (PMID: 29339979). This variant has been identified in 1/245816 chromosomes in the general population by the Genome Aggregation Database (gnomAD). Loss of BRCA2 function is a known mechanism of disease. Based on the available evidence, this variant is classified as Pathogenic.

Rady Children's Institute for Genomic Medicine, Rady Children's Hospital San Diego
Classification: Pathogenic for Cancer Syndrome, Hereditary. Last evaluated: 2018-08-15. Review status: criteria provided, single submitter. Criteria: ACMG Guidelines, 2015. Collection method: clinical testing. Allele origin: germline. Affected: yes. Observed: 1 variant allele. Not counted in ClinVar's aggregate classification.
Comment: This frameshifting variant in exon 11 of 28 introduces a premature stop codon and is predicted to result in loss of normal protein function. This variant has been previously reported as a disease-causing variant in the literature (PMID: 29339979 , 26187060, 12112655, 27165220). It is present in the heterozygous state in the gnomAD population database at a frequency of 0.0004% (1/240830) and thus is presumed to be rare. Based on the available evidence, the c.3751dupA (p.Thr1251AsnfsTer14) is classified as pathogenic.

Genomic Research Center, Shahid Beheshti University of Medical Sciences
Classification: Pathogenic for Breast-ovarian cancer, familial, susceptibility to, 2. Last evaluated: 2017-12-03. Review status: criteria provided, single submitter. Criteria: ACMG Guidelines, 2015. Collection method: clinical testing. Allele origin: inherited. Affected: yes. Not counted in ClinVar's aggregate classification.

Consortium of Investigators of Modifiers of BRCA1/2 (CIMBA), c/o University of Cambridge
Classification: Pathogenic for Breast-ovarian cancer, familial, susceptibility to, 2. Last evaluated: 2015-10-02. Review status: criteria provided, single submitter. Criteria: CIMBA Mutation Classification guidelines May 2016. Collection method: clinical testing. Allele origin: germline. Not counted in ClinVar's aggregate classification.

Department of Medical Genetics, Oslo University Hospital
Classification: Pathogenic for Breast-ovarian cancer, familial, susceptibility to, 2. Last evaluated: 2015-07-01. Review status: criteria provided, single submitter. Criteria: ACMG Guidelines, 2015. Collection method: clinical testing. Allele origin: germline. Affected: yes. Observed: 2 variant alleles. Not counted in ClinVar's aggregate classification.

BRCAlab, Lund University
Classification: Pathogenic for Breast-ovarian cancer, familial, susceptibility to, 2. Last evaluated: 2022-08-26. Review status: no assertion criteria provided. Collection method: clinical testing. Allele origin: germline. Affected: yes. Not counted in ClinVar's aggregate classification.

Medical Genetics Laboratory, Umraniye Training and Research Hospital, University of Health Sciences
Classification: Pathogenic for Breast carcinoma. Last evaluated: 2021-08-18. Review status: no assertion criteria provided. Collection method: clinical testing. Allele origin: germline. Affected: yes. Observed: 1 variant allele, 1 heterozygote. Not counted in ClinVar's aggregate classification.
Comment: Invasive Ductal Carcinoma Estrogen Receptor: Positive Progesterone Receptor: Positive HER2 Receptor: Positive

Literature cited by the submitters: PubMed 20104584 (cited by Labcorp Genetics (formerly Invitae), Labcorp and GeneKor MSA); PubMed 12112655 (cited by 6 submitters); PubMed 17826769 (cited by 3 submitters); PubMed 27165220 (cited by 3 submitters); PubMed 21156238 (cited by Ambry Genetics); PubMed 26187060 (cited by Ambry Genetics and Center for Genomic Medicine, Rigshospitalet, Copenhagen University Hospital); PubMed 33629534 (cited by Center for Genomic Medicine, Rigshospitalet, Copenhagen University Hospital); PubMed 35418818 (cited by Center for Genomic Medicine, Rigshospitalet, Copenhagen University Hospital); PubMed 29339979 (cited by 3 submitters); PubMed 12100744 (cited by Department of Pathology and Laboratory Medicine, Sinai Health System and Color Diagnostics, LLC DBA Color Health); PubMed 33471991 (cited by Department of Pathology and Laboratory Medicine, Sinai Health System and Color Diagnostics, LLC DBA Color Health).